The following is an entry in ClinVar:

NM_032348.4(MXRA8):c.945C>G (p.Gly315=)

Gene: MXRA8 (matrix remodeling associated 8; minus strand). Cytogenetic location: 1p36.33.
Variant type: single nucleotide variant.
Coding change: c.945C>G on transcript NM_032348.4 (MANE Select); coding-DNA position 945, C replaced by G.
Protein change: p.Gly315=; no amino-acid change (glycine 315 retained).
Molecular consequence: synonymous variant.
Genome position (GRCh38, 1-based): chr1:1,354,686, G>C on the plus strand (C>G on the coding strand, the complement: MXRA8 is on the minus strand). VCF-style: chr1-1354686-G-C. GRCh37 (hg19) VCF-style: chr1-1290066-G-C.
Other names: c.945C>G, p.Gly315= (NM_001282582.2, NM_001282585.1); c.918C>G, p.Gly306= (NM_001282583.2); c.642C>G, p.Gly214= (NM_001282584.2); c.945C>G (NM_032348.3).
Identifiers: ClinVar variation 2638006 (VCV002638006.25), dbSNP rs533557025, ClinGen allele CA521167.

ClinVar aggregate classification (germline): Likely benign. Review status: criteria provided, single submitter (1 of 4 stars). 2 submissions from 2 submitters: Likely benign (1). 1 of the submissions does not count toward it. Last evaluated 2022-03-01.

Conditions:
MXRA8-related disorder. Also called: MXRA8-related condition.

Allele frequency attached by ClinVar (database versions not stated): 1000 Genomes Project 0.00020; 1000 Genomes Project 30x 0.00031; gnomAD 0.00095; TOPMed 0.00097.
gnomAD v4.1: 1,873 of 1,576,422 alleles (0.12%); highest among the groups gnomAD compares: Non-Finnish European, 0.15%; 6 homozygotes.

Submissions (2):

CeGaT Center for Human Genetics Tuebingen
Classification: Likely benign. Last evaluated: 2022-03-01. Review status: criteria provided, single submitter. Criteria: CeGaT Center For Human Genetics Tuebingen Variant Classification Criteria Version 2. Collection method: clinical testing. Allele origin: germline. Affected: yes. Observed: 1 variant allele.
Comment: MXRA8: BP4, BP7

PreventionGenetics, part of Exact Sciences
Classification: Likely benign for MXRA8-related condition. Last evaluated: 2019-04-30. Review status: no assertion criteria provided. Collection method: clinical testing. Allele origin: germline. Not counted in ClinVar's aggregate classification.
Comment: This variant is classified as likely benign based on ACMG/AMP sequence variant interpretation guidelines (Richards et al. 2015 PMID: 25741868, with internal and published modifications).